The following is an entry in ClinVar:

NM_002473.6(MYH9):c.2378A>C (p.Tyr793Ser)

Gene: MYH9 (myosin heavy chain 9; minus strand). Cytogenetic location: 22q12.3.
Variant type: single nucleotide variant.
Coding change: c.2378A>C on transcript NM_002473.6 (MANE Select); coding-DNA position 2378, A replaced by C.
Protein change: p.Tyr793Ser; replaces tyrosine 793 with serine.
Molecular consequence: missense variant.
Genome position (GRCh38, 1-based): chr22:36,304,007, T>G on the plus strand (A>C on the coding strand, the complement: MYH9 is on the minus strand). VCF-style: chr22-36304007-T-G. GRCh37 (hg19) VCF-style: chr22-36700053-T-G.
Other names: short protein forms Y793S.
Identifiers: ClinVar variation 4532533 (VCV004532533.1).
Genomic context (GRCh38, chr22:36,304,007, plus strand): 5'-GCGTGGCAAGGCCTGGCATGCGGGGCAGGAGTATCTCCCGGGACTCACTTCCTGGCCAGG[T>G]AGCCCCTGCAGCAGGCCTGGAACCCTATGATGACGTCGGTGATCTTCAGGTCTCGCTCCT-3'
Protein context (NP_002464.1, residues 783-803): IIGFQACCRG[Tyr793Ser]LARKAFAKRQ

ClinVar aggregate classification (germline): Uncertain significance (1 of 4 stars; one submission).

gnomAD v4.1: 1 of 1,613,546 alleles (0.000062%); highest among the groups gnomAD compares: Non-Finnish European, 0.000085%; no homozygotes.

Submission:

GeneDx
Classification: Uncertain significance. Last evaluated: 2025-05-30. Review status: criteria provided, single submitter. Criteria: GeneDx Variant Classification Process June 2021. Collection method: clinical testing. Allele origin: germline. Affected: yes.
Comment: Not observed at significant frequency in large population cohorts (gnomAD); In silico analysis supports that this missense variant has a deleterious effect on protein structure/function; Has not been previously published as pathogenic or benign to our knowledge